The following is an entry in ClinVar:

ClinVar aggregate classification (germline): Uncertain significance (1 of 4 stars; one submission).

Submission:

GeneDx
Classification: Uncertain significance. Last evaluated: 2025-01-16. Review status: criteria provided, single submitter. Criteria: GeneDx Variant Classification Process June 2021. Collection method: clinical testing. Allele origin: germline. Affected: yes.
Comment: Not observed at significant frequency in large population cohorts (gnomAD); Frameshift variant predicted to result in protein truncation or nonsense mediated decay in a gene or region of a gene for which loss of function is not a well-established mechanism of disease; Has not been previously published as pathogenic or benign to our knowledge

NM_001393504.1(MAST3):c.2923_2924insTTGCC (p.Ser975fs)

Gene: MAST3 (microtubule associated serine/threonine kinase 3; plus strand). Cytogenetic location: 19p13.11.
Variant type: Insertion.
Coding change: c.2923_2924insTTGCC on transcript NM_001393504.1 (MANE Select); coding-DNA positions 2923 to 2924, TTGCC inserted.
Protein change: p.Ser975fs; shifts the reading frame from serine 975.
Molecular consequence: frameshift variant.
Genome position: GRCh38 VCF-style: chr19-18145113-A-ATTGCC. GRCh37 (hg19) VCF-style: chr19-18255923-A-ATTGCC.
Other names: c.2947_2948insTTGCC, p.Ser983fs (NM_001393501.1); c.2926_2927insTTGCC, p.Ser976fs (NM_001393502.1); c.2923_2924insTTGCC, p.Ser975fs (NM_001393503.1); c.2920_2921insTTGCC, p.Ser974fs (NM_001393505.1); c.2875_2876insTTGCC, p.Ser959fs (NM_001393506.1, NM_001393513.1); c.2902_2903insTTGCC, p.Ser968fs (NM_001393507.1); c.2857_2858insTTGCC, p.Ser953fs (NM_001393508.1, NM_001393516.1); c.2854_2855insTTGCC, p.Ser952fs (NM_001393509.1, NM_001393510.1, NM_001393512.1 and 2 more transcripts); and 4 more; short protein forms S937fs, S945fs, S946fs, S951fs, S952fs, S953fs, S959fs, S968fs.
Identifiers: ClinVar variation 4070708 (VCV004070708.1).